The following is an entry in ClinVar:

NM_004525.3(LRP2):c.13587dup (p.Asp4530fs)

Gene: LRP2 (LDL receptor related protein 2; minus strand). Cytogenetic location: 2q31.1.
Variant type: Duplication.
Coding change: c.13587dup on transcript NM_004525.3 (MANE Select); coding-DNA position 13587, one base duplicated (A; older notation c.13587dupA).
Protein change: p.Asp4530fs; shifts the reading frame from aspartic acid 4530.
Molecular consequence: frameshift variant.
Genome position (GRCh38, 1-based): chr2:169,137,425, T duplicated on the plus strand (A on the coding strand, the reverse complement: LRP2 is on the minus strand). VCF-style (leftmost placement, unchanged base first): chr2-169137424-C-CT. GRCh37 (hg19) VCF-style: chr2-169993934-C-CT.
Other names: short protein forms D4530fs.
Identifiers: ClinVar variation 2839301 (VCV002839301.3), dbSNP rs2545639161, ClinGen allele CA2739271510.

ClinVar aggregate classification (germline): Pathogenic (1 of 4 stars; one submission).

Submission:

Labcorp Genetics (formerly Invitae), Labcorp
Classification: Pathogenic. Last evaluated: 2023-02-20. Review status: criteria provided, single submitter. Criteria: Invitae Variant Classification Sherloc (09022015). Collection method: clinical testing. Allele origin: germline.
Comment: This sequence change creates a premature translational stop signal (p.Asp4530Argfs*16) in the LRP2 gene. It is expected to result in an absent or disrupted protein product. Loss-of-function variants in LRP2 are known to be pathogenic (PMID: 17632512, 25682901). This variant is not present in population databases (gnomAD no frequency). For these reasons, this variant has been classified as Pathogenic. This variant has not been reported in the literature in individuals affected with LRP2-related conditions.

Literature cited by the submitters: PubMed 17632512; PubMed 25682901.